The following is an entry in ClinVar:

NM_020461.4(TUBGCP6):c.697C>T (p.Pro233Ser)

Gene: TUBGCP6 (tubulin gamma complex component 6; minus strand). Cytogenetic location: 22q13.33.
Variant type: single nucleotide variant.
Coding change: c.697C>T on transcript NM_020461.4 (MANE Select); coding-DNA position 697, C replaced by T.
Protein change: p.Pro233Ser; replaces proline 233 with serine.
Molecular consequence: missense variant.
Genome position (GRCh38, 1-based): chr22:50,243,763, G>A on the plus strand (C>T on the coding strand, the complement: TUBGCP6 is on the minus strand). VCF-style: chr22-50243763-G-A. GRCh37 (hg19) VCF-style: chr22-50682192-G-A.
Other names: short protein forms P233S.
Identifiers: ClinVar variation 845751 (VCV000845751.8), dbSNP rs1263050174, ClinGen allele CA412114309.
Genomic context (GRCh38, chr22:50,243,763, plus strand): 5'-AAACTAAACATTCTACCTTAATAGCCAGCCCAGAGAGGTCCGCATTGTCTGGCACGGGGG[G>A]CAGGCCCAGTCGGACGTCCATGTCATAAGTGCGGCTGTGCACAAGGGCCCCGAAGAGCGA-3'
Protein context (NP_065194.3, residues 223-243): TYDMDVRLGL[Pro233Ser]PVPDNADLSG

ClinVar aggregate classification (germline): Uncertain significance (1 of 4 stars; one submission).

Allele frequency attached by ClinVar (database versions not stated): gnomAD exomes below 0.00001; TOPMed below 0.00001.
gnomAD v4.1: 2 of 1,613,630 alleles (0.00012%); highest among the groups gnomAD compares: Non-Finnish European, 0.00017%; no homozygotes.

Submission:

Labcorp Genetics (formerly Invitae), Labcorp
Classification: Uncertain significance. Last evaluated: 2019-11-21. Review status: criteria provided, single submitter. Criteria: Invitae Variant Classification Sherloc (09022015). Collection method: clinical testing. Allele origin: germline.
Comment: In summary, the available evidence is currently insufficient to determine the role of this variant in disease. Therefore, it has been classified as a Variant of Uncertain Significance. Algorithms developed to predict the effect of missense changes on protein structure and function are either unavailable or do not agree on the potential impact of this missense change (SIFT: "Deleterious"; PolyPhen-2: "Probably Damaging"; Align-GVGD: "Class C0"). This variant has not been reported in the literature in individuals with TUBGCP6-related conditions. This variant is not present in population databases (ExAC no frequency). This sequence change replaces proline with serine at codon 233 of the TUBGCP6 protein (p.Pro233Ser). The proline residue is highly conserved and there is a moderate physicochemical difference between proline and serine.